The following is an entry in ClinVar:

NM_007294.4(BRCA1):c.5039T>C (p.Ile1680Thr)

Gene: BRCA1 (BRCA1 DNA repair associated; minus strand). Cytogenetic location: 17q21.31.
Variant type: single nucleotide variant.
Coding change: c.5039T>C on transcript NM_007294.4 (MANE Select); coding-DNA position 5039, T replaced by C.
Protein change: p.Ile1680Thr; replaces isoleucine 1680 with threonine.
Molecular consequence: missense variant. On other transcripts: non-coding transcript variant (1).
Genome position (GRCh38, 1-based): chr17:43,067,643, A>G on the plus strand (T>C on the coding strand, the complement: BRCA1 is on the minus strand). VCF-style: chr17-43067643-A-G. GRCh37 (hg19) VCF-style: chr17-41219660-A-G.
Other names: c.5039T>C, p.Ile1680Thr (NM_001407597.1, NM_001407598.1, NM_001407602.1 and 8 more transcripts); c.5036T>C, p.Ile1679Thr (NM_001407610.1, NM_001407611.1, NM_001407612.1 and 17 more transcripts); c.5033T>C, p.Ile1678Thr (NM_001407627.1, NM_001407628.1, NM_001407629.1 and 14 more transcripts); c.5030T>C, p.Ile1677Thr (NM_001407645.1, NM_001407644.1); c.5027T>C, p.Ile1676Thr (NM_001407646.1); c.5024T>C, p.Ile1675Thr (NM_001407647.1); c.4982T>C, p.Ile1661Thr (NM_001407648.1); c.4979T>C, p.Ile1660Thr (NM_001407649.1); and 70 more; short protein forms I1633T, I1680T, I1701T, I576T, I1551T, I1567T, I1591T, I1592T.
Identifiers: ClinVar variation 868554 (VCV000868554.3), dbSNP rs1489545368, ClinGen allele CA10591438.

Conditions:
Breast-ovarian cancer, familial, susceptibility to, 1 (BROVCA1). Also called: BRCA1 Hereditary Breast and Ovarian Cancer; OVARIAN CANCER, SUSCEPTIBILITY TO. Identifiers: Orphanet 145, MedGen C2676676, MONDO:0011450, OMIM 604370. Disease mechanism: loss of function.

Allele frequency attached by ClinVar (database versions not stated): gnomAD exomes below 0.00001.
gnomAD v4.1: 1 of 1,613,348 alleles (0.000062%); highest among the groups gnomAD compares: Non-Finnish European, 0.000085%; no homozygotes.

Submission:

Brotman Baty Institute, University of Washington
No classification provided (evidence only). Condition: Breast-ovarian cancer, familial 1. Review status: no classification provided. Collection method: in vitro. Allele origin: not applicable. Functional consequence: functionally_normal.
ClinVar note: "not provided" was previously submitted as the classification for the variant. However, the classification appeared to be based only on an observation of functional data so it was converted to no classification on 2025-07-30.